The following is an entry in ClinVar:

NM_001252024.2(TRPM1):c.733G>T (p.Glu245Ter)

Gene: TRPM1 (transient receptor potential cation channel subfamily M member 1; minus strand). Cytogenetic location: 15q13.3.
Variant type: single nucleotide variant.
Coding change: c.733G>T on transcript NM_001252024.2 (MANE Select); coding-DNA position 733, G replaced by T.
Protein change: p.Glu245Ter; replaces glutamic acid 245 with a stop codon.
Molecular consequence: nonsense.
Genome position (GRCh38, 1-based): chr15:31,066,133, C>A on the plus strand (G>T on the coding strand, the complement: TRPM1 is on the minus strand). VCF-style: chr15-31066133-C-A. GRCh37 (hg19) VCF-style: chr15-31358336-C-A.
Other names: c.784G>T, p.Glu262Ter (NM_001252020.2); c.667G>T, p.Glu223Ter (NM_002420.6); short protein forms E223*, E245*, E262*.
Identifiers: ClinVar variation 1071080 (VCV001071080.8), dbSNP rs756797592, ClinGen allele CA7452858.
Genomic context (GRCh38, chr15:31,066,133, plus strand): 5'-TACTTGTGTTGATCTTCTGCAGGGAGATGTGCTTTTCCAGCAGCCTTCGCAGCTTCACCT[C>A]GGCGCCATACTTGCCCAGGGTGCCATTGTCAGCCAGGATGAAGTGGGTGTGGGAGTTGTT-3'

ClinVar aggregate classification (germline): Pathogenic (1 of 4 stars; one submission).

Allele frequency attached by ClinVar (database versions not stated): ExAC 0.00001.
gnomAD v4.1: 1 of 1,614,194 alleles (0.000062%); highest among the groups gnomAD compares: South Asian, 0.0011%; no homozygotes.

Submission:

Labcorp Genetics (formerly Invitae), Labcorp
Classification: Pathogenic. Last evaluated: 2022-07-06. Review status: criteria provided, single submitter. Criteria: Invitae Variant Classification Sherloc (09022015). Collection method: clinical testing. Allele origin: germline.
Comment: For these reasons, this variant has been classified as Pathogenic. ClinVar contains an entry for this variant (Variation ID: 1071080). This variant has not been reported in the literature in individuals affected with TRPM1-related conditions. This variant is present in population databases (rs756797592, gnomAD 0.003%). This sequence change creates a premature translational stop signal (p.Glu223*) in the TRPM1 gene. It is expected to result in an absent or disrupted protein product. Loss-of-function variants in TRPM1 are known to be pathogenic (PMID: 19896113, 19966281, 20300565).

Literature cited by the submitters: PubMed 19896113; PubMed 19966281; PubMed 20300565.